The following is an entry in ClinVar:

NM_001003694.2(BRPF1):c.3412G>T (p.Glu1138Ter)

Gene: BRPF1 (bromodomain and PHD finger containing 1; plus strand). Cytogenetic location: 3p25.3.
Variant type: single nucleotide variant.
Coding change: c.3412G>T on transcript NM_001003694.2 (MANE Select); coding-DNA position 3412, G replaced by T.
Protein change: p.Glu1138Ter; replaces glutamic acid 1138 with a stop codon.
Molecular consequence: nonsense. On other transcripts: non-coding transcript variant (1).
Genome position (GRCh38, 1-based): chr3:9,746,387, G>T. VCF-style: chr3-9746387-G-T. GRCh37 (hg19) VCF-style: chr3-9788071-G-T.
Other names: c.3109G>T, p.Glu1037Ter (NM_001319049.2); c.3391G>T, p.Glu1131Ter (NM_001319050.2, NM_001438343.1); c.3409G>T, p.Glu1137Ter (NM_001410704.1); c.3496G>T, p.Glu1166Ter (NM_001437892.1); c.3493G>T, p.Glu1165Ter (NM_001438342.1); c.3127G>T, p.Glu1043Ter (NM_001438344.1); c.3124G>T, p.Glu1042Ter (NM_001438345.1); c.3106G>T, p.Glu1036Ter (NM_001438346.1); and 1 more; short protein forms E1037*, E1166*, E1042*, E1131*, E1132*, E1036*, E1043*, E1137*.
Identifiers: ClinVar variation 5033474 (VCV005033474.1).
Genomic context (GRCh38, chr3:9,746,387, plus strand): 5'-GGTATGTTCCACCATGGGGTTCCCATCCCTGTGCCCCCACTGGAGGTGCTGAAACTTGGG[G>T]AGCAGATGACCCAGGAAGCCCGAGAGCATCTCTACCTCGTCCTCTTCTTTGACAACAAAC-3'

ClinVar aggregate classification (germline): Pathogenic (1 of 4 stars; one submission).

Conditions:
Inborn genetic diseases. Identifiers: MedGen C0950123, MeSH D030342.

Submission:

Ambry Genetics
Classification: Pathogenic for Inborn genetic diseases. Last evaluated: 2026-08-11. Review status: criteria provided, single submitter. Criteria: Ambry Variant Classification Scheme 2023. Collection method: clinical testing. Allele origin: germline.
Comment: The c.3412G>T (p.E1138*) alteration, located in exon 13 (coding exon 12) of the BRPF1 gene, consists of a G to T substitution at nucleotide position 3412. This changes the amino acid from a glutamic acid (E) to a stop codon at amino acid position 1138. This variant is expected to result in loss of function by premature protein truncation or nonsense-mediated mRNA decay. This variant was not reported in population-based cohorts in the Genome Aggregation Database (gnomAD). Based on the available evidence, this alteration is classified as pathogenic.